The following is an entry in ClinVar:

NM_031407.7(HUWE1):c.1616C>G (p.Ser539Cys)

Gene: HUWE1 (HECT, UBA and WWE domain containing E3 ubiquitin protein ligase 1; minus strand). Cytogenetic location: Xp11.22.
Variant type: single nucleotide variant.
Coding change: c.1616C>G on transcript NM_031407.7 (MANE Select); coding-DNA position 1616, C replaced by G.
Protein change: p.Ser539Cys; replaces serine 539 with cysteine.
Molecular consequence: missense variant.
Genome position (GRCh38, 1-based): chrX:53,624,651, G>C on the plus strand (C>G on the coding strand, the complement: HUWE1 is on the minus strand). VCF-style: chrX-53624651-G-C. GRCh37 (hg19) VCF-style: chrX-53651612-G-C.
Other names: short protein forms S539C.
Identifiers: ClinVar variation 1704814 (VCV001704814.2), dbSNP rs2527820722, ClinGen allele CA413151504.

ClinVar aggregate classification (germline): Uncertain significance (1 of 4 stars; one submission).

Submission:

GeneDx
Classification: Uncertain significance. Last evaluated: 2022-03-10. Review status: criteria provided, single submitter. Criteria: GeneDx Variant Classification Process June 2021. Collection method: clinical testing. Allele origin: germline. Affected: yes.
Comment: Not observed at significant frequency in large population cohorts (gnomAD); In silico analysis supports that this missense variant has a deleterious effect on protein structure/function; Has not been previously published as pathogenic or benign to our knowledge